The following is an entry in ClinVar:

ClinVar aggregate classification (germline): Uncertain significance (1 of 4 stars; one submission).

Conditions:
Immunodeficiency-centromeric instability-facial anomalies syndrome 2 (ICF2). Identifiers: Orphanet 2268, MedGen C3279748, MONDO:0013553, OMIM 614069.

Submission:

Labcorp Genetics (formerly Invitae), Labcorp
Classification: Uncertain significance for Immunodeficiency-centromeric instability-facial anomalies syndrome 2. Last evaluated: 2022-02-27. Review status: criteria provided, single submitter. Criteria: Invitae Variant Classification Sherloc (09022015). Collection method: clinical testing. Allele origin: germline.
Comment: In summary, the available evidence is currently insufficient to determine the role of this variant in disease. Therefore, it has been classified as a Variant of Uncertain Significance. Algorithms developed to predict the effect of missense changes on protein structure and function are either unavailable or do not agree on the potential impact of this missense change (SIFT: "Not Available"; PolyPhen-2: "Benign"; Align-GVGD: "Not Available"). This variant has not been reported in the literature in individuals affected with ZBTB24-related conditions. This variant is not present in population databases (gnomAD no frequency). This sequence change replaces valine, which is neutral and non-polar, with methionine, which is neutral and non-polar, at codon 635 of the ZBTB24 protein (p.Val635Met).

NM_014797.3(ZBTB24):c.1903G>A (p.Val635Met)

Gene: ZBTB24 (zinc finger and BTB domain containing 24; minus strand). Cytogenetic location: 6q21.
Variant type: single nucleotide variant.
Coding change: c.1903G>A on transcript NM_014797.3 (MANE Select); coding-DNA position 1903, G replaced by A.
Protein change: p.Val635Met; replaces valine 635 with methionine.
Molecular consequence: missense variant.
Genome position (GRCh38, 1-based): chr6:109,466,042, C>T on the plus strand (G>A on the coding strand, the complement: ZBTB24 is on the minus strand). VCF-style: chr6-109466042-C-T. GRCh37 (hg19) VCF-style: chr6-109787245-C-T.
Other names: short protein forms V635M.
Identifiers: ClinVar variation 2103842 (VCV002103842.4), dbSNP rs2482850981, ClinGen allele CA365194458.